The following is an entry in ClinVar:

ClinVar aggregate classification (germline): Pathogenic (1 of 4 stars; one submission).

Conditions:
Ectodermal dysplasia 10A, hypohidrotic/hair/nail type, autosomal dominant (ECTD10A). Also called: Ectodermal Dysplasia 3, Anhidrotic. Identifiers: Orphanet 1810, Orphanet 238468, MedGen C3888065, MONDO:0007509, OMIM 129490.
Autosomal recessive hypohidrotic ectodermal dysplasia syndrome. Also called: Autosomal recessive hypohidrotic ectodermal dysplasia. Identifiers: Orphanet 248, MedGen C0406702, MONDO:0016619.

Submission:

Labcorp Genetics (formerly Invitae), Labcorp
Classification: Pathogenic for Ectodermal dysplasia 10A, hypohidrotic/hair/nail type, autosomal dominant; Autosomal recessive hypohidrotic ectodermal dysplasia syndrome. Last evaluated: 2025-04-28. Review status: criteria provided, single submitter. Criteria: Invitae Variant Classification Sherloc (09022015). Collection method: clinical testing. Allele origin: germline.
Comment: This sequence change creates a premature translational stop signal (p.Glu311Argfs*61) in the EDAR gene. While this is not anticipated to result in nonsense mediated decay, it is expected to disrupt the last 138 amino acid(s) of the EDAR protein. This variant is not present in population databases (gnomAD no frequency). This variant has not been reported in the literature in individuals affected with EDAR-related conditions. ClinVar contains an entry for this variant (Variation ID: 2952436). This variant disrupts a region of the EDAR protein in which other variant(s) (p.Glu433*) have been determined to be pathogenic (internal data). This suggests that this is a clinically significant region of the protein, and that variants that disrupt it are likely to be disease-causing. For these reasons, this variant has been classified as Pathogenic.

NM_022336.4(EDAR):c.931del (p.Glu311fs)

Genes: EDAR (ectodysplasin A receptor; minus strand), RANBP2 (RAN binding protein 2; plus strand). Cytogenetic location: 2q13.
Variant type: Deletion.
Coding change: c.931del on transcript NM_022336.4 (MANE Select); coding-DNA position 931, one base deleted (G; older notation c.931delG).
Protein change: p.Glu311fs; shifts the reading frame from glutamic acid 311.
Molecular consequence: frameshift variant.
Genome position (GRCh38, 1-based): chr2:108,907,892, C deleted on the plus strand (G on the coding strand, the reverse complement: EDAR is on the minus strand); the first of 3 consecutive C bases (chr2:108,907,892-108,907,894); deleting any one gives the same sequence. VCF-style (leftmost placement, unchanged base first): chr2-108907891-TC-T. GRCh37 (hg19) VCF-style: chr2-109524347-TC-T.
Other names: short protein forms E311fs.
Identifiers: ClinVar variation 2952436 (VCV002952436.3), dbSNP rs2470649168, ClinGen allele CA2740095683.